The following is an entry in ClinVar:

ClinVar aggregate classification (germline): Uncertain significance. Review status: criteria provided, multiple submitters, no conflicts (2 of 4 stars). 3 submissions from 3 submitters: Uncertain significance (3). Last evaluated 2025-12-15.

Conditions:
Early-infantile DEE. Also called: Early infantile epileptic encephalopathy; Ohtahara syndrome; Early infantile epileptic encephalopathy with suppression bursts. Identifiers: Orphanet 1934, MedGen C0393706, MONDO:0800491.
Developmental and epileptic encephalopathy, 5 (DEE5). Identifiers: Orphanet 3451, MedGen C3150731, MONDO:0013277, OMIM 613477.

Allele frequency attached by ClinVar (database versions not stated): ExAC 0.00001; TOPMed 0.00002; gnomAD 0.00010.
gnomAD v4.1: 11 of 1,613,972 alleles (0.00068%); highest among the groups gnomAD compares: East Asian, 0.018%; no homozygotes.

Submissions (3):

Labcorp Genetics (formerly Invitae), Labcorp
Classification: Uncertain significance for Early-infantile DEE. Last evaluated: 2025-12-15. Review status: criteria provided, single submitter. Criteria: Invitae Variant Classification Sherloc (09022015). Collection method: clinical testing. Allele origin: germline.
Comment: This sequence change replaces glutamic acid, which is acidic and polar, with glutamine, which is neutral and polar, at codon 1415 of the SPTAN1 protein (p.Glu1415Gln). This variant is present in population databases (rs745697305, gnomAD 0.03%). This variant has not been reported in the literature in individuals affected with SPTAN1-related conditions. ClinVar contains an entry for this variant (Variation ID: 569671). Invitae Evidence Modeling of protein sequence and biophysical properties (such as structural, functional, and spatial information, amino acid conservation, physicochemical variation, residue mobility, and thermodynamic stability) has been performed for this missense variant. However, the output from this modeling did not meet the statistical confidence thresholds required to predict the impact of this variant on SPTAN1 protein function. In summary, the available evidence is currently insufficient to determine the role of this variant in disease. Therefore, it has been classified as a Variant of Uncertain Significance.

Genome-Nilou Lab
Classification: Uncertain significance for Developmental and epileptic encephalopathy, 5. Last evaluated: 2021-07-15. Review status: criteria provided, single submitter. Criteria: ACMG Guidelines, 2015. Collection method: clinical testing. Allele origin: germline. Affected: no.

Fulgent Genetics
Classification: Uncertain significance for Developmental and epileptic encephalopathy, 5. Last evaluated: 2018-10-31. Review status: criteria provided, single submitter. Criteria: ACMG Guidelines, 2015. Collection method: clinical testing. Allele origin: unknown.

NM_001130438.3(SPTAN1):c.4243G>C (p.Glu1415Gln)

Gene: SPTAN1 (spectrin alpha, non-erythrocytic 1; plus strand). Cytogenetic location: 9q34.11.
Variant type: single nucleotide variant.
Coding change: c.4243G>C on transcript NM_001130438.3 (MANE Select); coding-DNA position 4243, G replaced by C.
Protein change: p.Glu1415Gln; replaces glutamic acid 1415 with glutamine.
Molecular consequence: missense variant.
Genome position (GRCh38, 1-based): chr9:128,607,948, G>C. VCF-style: chr9-128607948-G-C. GRCh37 (hg19) VCF-style: chr9-131370227-G-C.
Other names: c.4183G>C, p.Glu1395Gln (NM_001195532.2, NM_001363765.2); c.4243G>C, p.Glu1415Gln (NM_001363759.2, NM_003127.4); short protein forms E1415Q, E1395Q.
Identifiers: ClinVar variation 569671 (VCV000569671.14), dbSNP rs745697305, ClinGen allele CA5265148.